The following is an entry in ClinVar:

ClinVar aggregate classification (germline): Uncertain significance. Review status: criteria provided, single submitter (1 of 4 stars). 2 submissions from 2 submitters: Uncertain significance (1). 1 of the submissions does not count toward it. Last evaluated 2025-03-21.

Conditions:
Dystrophin deficiency.
Cardiomyopathy (CMYO). Also called: Cardiomyopathies. Identifiers: Orphanet 167848, MedGen C0878544, MONDO:0004994, HP:0001638. Inheritance: Various modes of inheritance.
Becker muscular dystrophy (BMD). Also called: Becker Muscular Dystrophy (BMD); MUSCULAR DYSTROPHY, PSEUDOHYPERTROPHIC PROGRESSIVE, BECKER TYPE. Identifiers: Orphanet 98895, MedGen C0917713, MONDO:0010311, OMIM 300376.
Duchenne muscular dystrophy (DMD). Also called: Duchenne Muscular Dystrophy (DMD); MUSCULAR DYSTROPHY, PSEUDOHYPERTROPHIC PROGRESSIVE, DUCHENNE TYPE. Identifiers: Orphanet 98896, MedGen C0013264, MONDO:0010679, OMIM 310200.

Allele frequency attached by ClinVar (database versions not stated): gnomAD 0.00001; TOPMed 0.00002.
gnomAD v4.1: 1 of 1,201,829 alleles (0.000083%); highest among the groups gnomAD compares: African/African-American, 0.0017%; no homozygotes.

Submissions (2):

Labcorp Genetics (formerly Invitae), Labcorp
Classification: Uncertain significance for Duchenne muscular dystrophy. Last evaluated: 2025-03-21. Review status: criteria provided, single submitter. Criteria: Invitae Variant Classification Sherloc (09022015). Collection method: clinical testing. Allele origin: germline.
Comment: This sequence change replaces valine, which is neutral and non-polar, with alanine, which is neutral and non-polar, at codon 792 of the DMD protein (p.Val792Ala). This variant is not present in population databases (gnomAD no frequency). This variant has not been reported in the literature in individuals affected with DMD-related conditions. ClinVar contains an entry for this variant (Variation ID: 572303). Invitae Evidence Modeling of protein sequence and biophysical properties (such as structural, functional, and spatial information, amino acid conservation, physicochemical variation, residue mobility, and thermodynamic stability) indicates that this missense variant is not expected to disrupt DMD protein function with a negative predictive value of 95%. In summary, the available evidence is currently insufficient to determine the role of this variant in disease. Therefore, it has been classified as a Variant of Uncertain Significance.

Natera, Inc.
Classification: Uncertain significance for Becker muscular dystrophy; Cardiomyopathy; Duchenne muscular dystrophy; Dystrophin deficiency. Last evaluated: 2018-06-01. Review status: no assertion criteria provided. Collection method: clinical testing. Allele origin: germline. Not counted in ClinVar's aggregate classification.

NM_004006.3(DMD):c.2375T>C (p.Val792Ala)

Gene: DMD (dystrophin; minus strand). Cytogenetic location: Xp21.1.
Variant type: single nucleotide variant.
Coding change: c.2375T>C on transcript NM_004006.3 (MANE Select); coding-DNA position 2375, T replaced by C.
Protein change: p.Val792Ala; replaces valine 792 with alanine.
Molecular consequence: missense variant.
Genome position (GRCh38, 1-based): chrX:32,501,760, A>G on the plus strand (T>C on the coding strand, the complement: DMD is on the minus strand). VCF-style: chrX-32501760-A-G. GRCh37 (hg19) VCF-style: chrX-32519877-A-G.
Other names: c.2351T>C, p.Val784Ala (NM_000109.4); c.2363T>C, p.Val788Ala (NM_004009.3); c.2006T>C, p.Val669Ala (NM_004010.3); short protein forms V792A, V784A, V788A, V669A.
Identifiers: ClinVar variation 572303 (VCV000572303.11), dbSNP rs1014795303, ClinGen allele CA328025854.